The following is an entry in ClinVar:

NM_000617.3(SLC11A2):c.1333C>T (p.Leu445=)

Gene: SLC11A2 (solute carrier family 11 member 2; minus strand). Cytogenetic location: 12q13.12.
Variant type: single nucleotide variant.
Coding change: c.1333C>T on transcript NM_000617.3 (MANE Select); coding-DNA position 1333, C replaced by T.
Protein change: p.Leu445=; no amino-acid change (leucine 445 retained).
Molecular consequence: synonymous variant. On other transcripts: non-coding transcript variant (10).
Genome position (GRCh38, 1-based): chr12:50,992,204, G>A on the plus strand (C>T on the coding strand, the complement: SLC11A2 is on the minus strand). VCF-style: chr12-50992204-G-A. GRCh37 (hg19) VCF-style: chr12-51385987-G-A.
Other names: c.1420C>T, p.Leu474= (NM_001174125.2, NM_001379446.1, NM_001379455.1); c.1333C>T, p.Leu445= (NM_001174126.2, NM_001174127.2, NM_001174128.2 and 5 more transcripts); c.1321C>T, p.Leu441= (NM_001174130.2, NM_001379448.1); c.1222C>T, p.Leu408= (NM_001414747.1, NM_001414748.1); c.1096C>T, p.Leu366= (NM_001414749.1, NM_001414750.1).
Identifiers: ClinVar variation 3239183 (VCV003239183.20), dbSNP rs774796819.
Genomic context (GRCh38, chr12:50,992,204, plus strand): 5'-ATGCTACCTGAATAACTAGGATGTGTTTCCTCAGCTTCCTCCTCACCTGTAAGCTCTGTA[G>A]AACATTCAGAAAGTCATTCATCCCTGTTAGATGCTCTACATCTTGGAAGACAGCAACAAG-3'
Protein context (NP_000608.1, residues 435-455): LTGMNDFLNV[Leu445=]QSLQLPFALI

ClinVar aggregate classification (germline): Conflicting classifications of pathogenicity. Review status: criteria provided, conflicting classifications (1 of 4 stars). 2 submissions from 2 submitters: Uncertain significance (1); Likely benign (1). Last evaluated 2026-01-06.

Allele frequency attached by ClinVar (database versions not stated): gnomAD 0.00001; ExAC 0.00002; TOPMed 0.00002.
gnomAD v4.1: 19 of 1,613,890 alleles (0.0012%); highest among the groups gnomAD compares: Middle Eastern, 0.066%; no homozygotes.

Submissions (2):

Labcorp Genetics (formerly Invitae), Labcorp
Classification: Likely benign. Last evaluated: 2026-01-06. Review status: criteria provided, single submitter. Criteria: Invitae Variant Classification Sherloc (09022015). Collection method: clinical testing. Allele origin: germline.

CeGaT Center for Human Genetics Tuebingen
Classification: Uncertain significance. Last evaluated: 2024-05-01. Review status: criteria provided, single submitter. Criteria: CeGaT Center For Human Genetics Tuebingen Variant Classification Criteria Version 2. Collection method: clinical testing. Allele origin: germline. Affected: yes. Observed: 1 variant allele.
Comment: SLC11A2: PM2:Supporting, BP4